The following is an entry in ClinVar:

ClinVar aggregate classification (germline): Uncertain significance. Review status: criteria provided, multiple submitters, no conflicts (2 of 4 stars). 2 submissions from 2 submitters: Uncertain significance (2). Last evaluated 2025-11-24.

Conditions:
Inborn genetic diseases. Identifiers: MedGen C0950123, MeSH D030342.
Developmental and epileptic encephalopathy, 23 (DEE23). Also called: Epileptic encephalopathy, early infantile, 23. Identifiers: Orphanet 411986, MedGen C4014492, MONDO:0014371, OMIM 615859.

Allele frequency attached by ClinVar (database versions not stated): gnomAD 0.00003; gnomAD exomes 0.00003 and 0.00002; ExAC 0.00002; TOPMed 0.00006.
gnomAD v4.1: 45 of 1,613,888 alleles (0.0028%); highest among the groups gnomAD compares: African/African-American, 0.004%; no homozygotes.

Submissions (2):

Ambry Genetics
Classification: Uncertain significance for Inborn genetic diseases. Last evaluated: 2025-11-24. Review status: criteria provided, single submitter. Criteria: Ambry Variant Classification Scheme 2023. Collection method: clinical testing. Allele origin: germline.

Labcorp Genetics (formerly Invitae), Labcorp
Classification: Uncertain significance for Developmental and epileptic encephalopathy, 23. Last evaluated: 2022-09-08. Review status: criteria provided, single submitter. Criteria: Invitae Variant Classification Sherloc (09022015). Collection method: clinical testing. Allele origin: germline.
Comment: In summary, the available evidence is currently insufficient to determine the role of this variant in disease. Therefore, it has been classified as a Variant of Uncertain Significance. Algorithms developed to predict the effect of missense changes on protein structure and function are either unavailable or do not agree on the potential impact of this missense change (SIFT: "Deleterious"; PolyPhen-2: "Probably Damaging"; Align-GVGD: "Class C0"). ClinVar contains an entry for this variant (Variation ID: 654697). This variant has not been reported in the literature in individuals affected with DOCK7-related conditions. This variant is present in population databases (rs749259157, gnomAD 0.003%). This sequence change replaces arginine, which is basic and polar, with histidine, which is basic and polar, at codon 1928 of the DOCK7 protein (p.Arg1928His).

NM_001367561.1(DOCK7):c.5816G>A (p.Arg1939His)

Gene: DOCK7 (dedicator of cytokinesis 7; minus strand). Cytogenetic location: 1p31.3.
Variant type: single nucleotide variant.
Coding change: c.5816G>A on transcript NM_001367561.1 (MANE Select); coding-DNA position 5816, G replaced by A.
Protein change: p.Arg1939His; replaces arginine 1939 with histidine.
Molecular consequence: missense variant.
Genome position (GRCh38, 1-based): chr1:62,475,852, C>T on the plus strand (G>A on the coding strand, the complement: DOCK7 is on the minus strand). VCF-style: chr1-62475852-C-T. GRCh37 (hg19) VCF-style: chr1-62941523-C-T.
Other names: c.5783G>A, p.Arg1928His (NM_001271999.2); c.5696G>A, p.Arg1899His (NM_001272000.2); c.5690G>A, p.Arg1897His (NM_001272001.2); c.5789G>A, p.Arg1930His (NM_001330614.2); c.5723G>A, p.Arg1908His (NM_033407.4); c.5723G>A (NM_033407.2); short protein forms R1899H, R1908H, R1897H, R1930H, R1939H, R1928H.
Identifiers: ClinVar variation 654697 (VCV000654697.10), dbSNP rs749259157, ClinGen allele CA885348.